The following is an entry in ClinVar:

NM_001257308.2(MINAR2):c.101T>C (p.Leu34Pro)

Gene: MINAR2 (membrane integral NOTCH2 associated receptor 2; plus strand). Cytogenetic location: 5q23.3.
Variant type: single nucleotide variant.
Coding change: c.101T>C on transcript NM_001257308.2 (MANE Select); coding-DNA position 101, T replaced by C.
Protein change: p.Leu34Pro; replaces leucine 34 with proline.
Molecular consequence: missense variant.
Genome position (GRCh38, 1-based): chr5:129,748,291, T>C. VCF-style: chr5-129748291-T-C. GRCh37 (hg19) VCF-style: chr5-129083984-T-C.
Other names: short protein forms L34P.
Identifiers: ClinVar variation 4978681 (VCV004978681.1).

ClinVar aggregate classification (germline): Likely benign (1 of 4 stars; one submission).

Conditions:
MINAR2-related condition.

gnomAD v4.1: 115 of 1,535,258 alleles (0.0075%); highest among the groups gnomAD compares: African/African-American, 0.12%; no homozygotes.

Submission:

PreventionGenetics, part of Exact Sciences
Classification: Likely benign for MINAR2-related condition. Last evaluated: 2026-01-06. Review status: criteria provided, single submitter. Criteria: ACMG Guidelines, 2015. Collection method: clinical testing. Allele origin: germline.
Comment: This variant is classified as likely benign based on ACMG/AMP sequence variant interpretation guidelines (Richards et al. 2015 PMID: 25741868, with internal and published modifications).